The following is an entry in ClinVar:

ClinVar aggregate classification (germline): Pathogenic (1 of 4 stars; one submission).

Conditions:
Retinoblastoma (RB1). Also called: RETINOBLASTOMA, SOMATIC. Identifiers: Orphanet 790, MedGen C0035335, MeSH D012175, MONDO:0008380, OMIM 180200, HP:0009919. Disease mechanism: loss of function. Inheritance: Both sporadic and heritable forms are tested..

Submission:

Labcorp Genetics (formerly Invitae), Labcorp
Classification: Pathogenic for Retinoblastoma. Last evaluated: 2022-02-24. Review status: criteria provided, single submitter. Criteria: Invitae Variant Classification Sherloc (09022015). Collection method: clinical testing. Allele origin: germline.
Comment: For these reasons, this variant has been classified as Pathogenic. This variant has not been reported in the literature in individuals affected with RB1-related conditions. This variant is not present in population databases (gnomAD no frequency). This sequence change creates a premature translational stop signal (p.Ser648*) in the RB1 gene. It is expected to result in an absent or disrupted protein product. Loss-of-function variants in RB1 are known to be pathogenic (PMID: 17096365).

Literature cited by the submitters: PubMed 17096365.

NM_000321.3(RB1):c.1943C>G (p.Ser648Ter)

Gene: RB1 (RB transcriptional corepressor 1; plus strand). Cytogenetic location: 13q14.2.
Variant type: single nucleotide variant.
Coding change: c.1943C>G on transcript NM_000321.3 (MANE Select); coding-DNA position 1943, C replaced by G.
Protein change: p.Ser648Ter; replaces serine 648 with a stop codon.
Molecular consequence: nonsense.
Genome position (GRCh38, 1-based): chr13:48,456,332, C>G. VCF-style: chr13-48456332-C-G. GRCh37 (hg19) VCF-style: chr13-49030468-C-G.
Other names: c.1943C>G, p.Ser648Ter (NM_001407165.1); short protein forms S648*.
Identifiers: ClinVar variation 2102990 (VCV002102990.4), dbSNP rs2138331596, ClinGen allele CA388166238.